The following is an entry in ClinVar:

NM_007175.8(ERLIN2):c.557+8T>C

Gene: ERLIN2 (ER lipid raft associated 2; plus strand). Cytogenetic location: 8p11.23.
Variant type: single nucleotide variant.
Coding change: c.557+8T>C on transcript NM_007175.8 (MANE Select); 8 bases into the intron after coding-DNA position 557, T replaced by C.
Molecular consequence: intron variant.
Genome position (GRCh38, 1-based): chr8:37,749,860, T>C. VCF-style: chr8-37749860-T-C. GRCh37 (hg19) VCF-style: chr8-37607378-T-C.
Other names: c.557+8T>C (NM_001362878.2).
Identifiers: ClinVar variation 240724 (VCV000240724.14), dbSNP rs181608326, ClinGen allele CA4710924.
Genomic context (GRCh38, chr8:37,749,860, plus strand): 5'-CGGGTAACAAAGCCCAACATACCAGAGGCAATCCGCAGAAACTACGAGTTGATGTGAGTA[T>C]ACCCTCCGCCTGGGCTGTGACCACCACTGCCTCCCACCTCCCACCTCGTCCCATCCCAGA-3'

ClinVar aggregate classification (germline): Benign. Review status: criteria provided, multiple submitters, no conflicts (2 of 4 stars). 3 submissions from 3 submitters: Benign (2). 1 of the submissions does not count toward it. Last evaluated 2026-01-13.

Conditions:
ERLIN2-related disorder. Also called: ERLIN2-related condition.
Spastic paraplegia. Identifiers: MedGen C0037772, HP:0001258.

Allele frequency attached by ClinVar (database versions not stated): gnomAD exomes 0.00014 and 0.00027; ExAC 0.00037; 1000 Genomes Project 0.00100; gnomAD 0.00128 and 0.00141; ESP Exome Variant Server 0.00131; TOPMed 0.00142; 1000 Genomes Project 30x 0.00156.
gnomAD v4.1: 408 of 1,613,558 alleles (0.025%); highest among the groups gnomAD compares: African/African-American, 0.47%; 1 homozygote.

Submissions (3):

Labcorp Genetics (formerly Invitae), Labcorp
Classification: Benign for Spastic paraplegia. Last evaluated: 2026-01-13. Review status: criteria provided, single submitter. Criteria: Invitae Variant Classification Sherloc (09022015). Collection method: clinical testing. Allele origin: germline.

Breakthrough Genomics
Classification: Benign. Review status: criteria provided, single submitter. Criteria: ACMG Guidelines, 2015. Collection method: not provided. Allele origin: germline. Inheritance: Autosomal recessive inheritance. Affected: yes.

PreventionGenetics, part of Exact Sciences
Classification: Likely benign for ERLIN2-related condition. Last evaluated: 2019-08-28. Review status: no assertion criteria provided. Collection method: clinical testing. Allele origin: germline. Not counted in ClinVar's aggregate classification.
Comment: This variant is classified as likely benign based on ACMG/AMP sequence variant interpretation guidelines (Richards et al. 2015 PMID: 25741868, with internal and published modifications).